The following is an entry in ClinVar:

NM_021830.5(TWNK):c.1430G>C (p.Arg477Pro)

Gene: TWNK (twinkle mtDNA helicase; plus strand). Cytogenetic location: 10q24.31.
Variant type: single nucleotide variant.
Coding change: c.1430G>C on transcript NM_021830.5 (MANE Select); coding-DNA position 1430, G replaced by C.
Protein change: p.Arg477Pro; replaces arginine 477 with proline.
Molecular consequence: missense variant. On other transcripts: non-coding transcript variant (5).
Genome position (GRCh38, 1-based): chr10:100,989,830, G>C. VCF-style: chr10-100989830-G-C. GRCh37 (hg19) VCF-style: chr10-102749587-G-C.
Other names: p.Arg477Pro; c.1430G>C, p.Arg477Pro (NM_001163812.2); c.68G>C, p.Arg23Pro (NM_001163813.2, NM_001163814.2, NM_001368275.1); short protein forms R23P, R477P.
Identifiers: ClinVar variation 3379987 (VCV003379987.1).
Genomic context (GRCh38, chr10:100,989,830, plus strand): 5'-CACAGTTTGCCGAGGGGCGGCTGGAAGATCAACTGGACAAATATGATCACTGGGCTGACC[G>C]CTTTGAGGACCTGCCCCTCTATTTCATGACTTTCCATGGACAGCAAAGCATCAGGTGAGA-3'
Protein context (NP_068602.2, residues 467-487): QLDKYDHWAD[Arg477Pro]FEDLPLYFMT

ClinVar aggregate classification (germline): Uncertain significance (1 of 4 stars; one submission).

Submission:

Mayo Clinic Laboratories, Mayo Clinic
Classification: Uncertain significance. Last evaluated: 2024-03-14. Review status: criteria provided, single submitter. Criteria: ACMG Guidelines, 2015. Collection method: clinical testing. Allele origin: germline. Observed: 1 variant allele.
Comment: PM2